The following is an entry in ClinVar:

ClinVar aggregate classification (germline): Uncertain significance. Review status: criteria provided, multiple submitters, no conflicts (2 of 4 stars). 2 submissions from 2 submitters: Uncertain significance (2). Last evaluated 2025-08-05.

gnomAD v4.1: 4 of 1,613,498 alleles (0.00025%); highest among the groups gnomAD compares: Non-Finnish European, 0.00034%; no homozygotes.

Submissions (2):

GeneDx
Classification: Uncertain significance. Last evaluated: 2025-08-05. Review status: criteria provided, single submitter. Criteria: GeneDx Variant Classification Process June 2021. Collection method: clinical testing. Allele origin: germline. Affected: yes.
Comment: Not observed at significant frequency in large population cohorts (gnomAD); In silico analysis supports that this missense variant has a deleterious effect on protein structure/function; Has not been previously published as pathogenic or benign to our knowledge

Labcorp Genetics (formerly Invitae), Labcorp
Classification: Uncertain significance. Last evaluated: 2022-02-02. Review status: criteria provided, single submitter. Criteria: Invitae Variant Classification Sherloc (09022015). Collection method: clinical testing. Allele origin: germline.
Comment: In summary, the available evidence is currently insufficient to determine the role of this variant in disease. Therefore, it has been classified as a Variant of Uncertain Significance. Advanced modeling of protein sequence and biophysical properties (such as structural, functional, and spatial information, amino acid conservation, physicochemical variation, residue mobility, and thermodynamic stability) performed at Invitae indicates that this missense variant is not expected to disrupt COL11A2 protein function. This variant has not been reported in the literature in individuals affected with COL11A2-related conditions. This variant is not present in population databases (gnomAD no frequency). This sequence change replaces proline, which is neutral and non-polar, with serine, which is neutral and polar, at codon 1316 of the COL11A2 protein (p.Pro1316Ser).

NM_080680.3(COL11A2):c.3946C>T (p.Pro1316Ser)

Gene: COL11A2 (collagen type XI alpha 2 chain; minus strand). Cytogenetic location: 6p21.32.
Variant type: single nucleotide variant.
Coding change: c.3946C>T on transcript NM_080680.3 (MANE Select); coding-DNA position 3946, C replaced by T.
Protein change: p.Pro1316Ser; replaces proline 1316 with serine.
Molecular consequence: missense variant.
Genome position (GRCh38, 1-based): chr6:33,168,533, G>A on the plus strand (C>T on the coding strand, the complement: COL11A2 is on the minus strand). VCF-style: chr6-33168533-G-A. GRCh37 (hg19) VCF-style: chr6-33136310-G-A.
Other names: c.3625C>T, p.Pro1209Ser (NM_080679.3); c.3688C>T, p.Pro1230Ser (NM_080681.3); c.3946C>T (NM_080680.2); short protein forms P1230S, P1209S, P1316S.
Identifiers: ClinVar variation 1345237 (VCV001345237.8), dbSNP rs2229784, ClinGen allele CA137063657.